The following is an entry in ClinVar:

ClinVar aggregate classification (germline): Uncertain significance (1 of 4 stars; one submission).

Submission:

Labcorp Genetics (formerly Invitae), Labcorp
Classification: Uncertain significance. Last evaluated: 2024-02-14. Review status: criteria provided, single submitter. Criteria: Invitae Variant Classification Sherloc (09022015). Collection method: clinical testing. Allele origin: germline.
Comment: This sequence change creates a premature translational stop signal (p.Ala374Glufs*30) in the SLC17A8 gene. It is expected to result in an absent or disrupted protein product. However, the current clinical and genetic evidence is not sufficient to establish whether loss-of-function variants in SLC17A8 cause disease. This variant is not present in population databases (gnomAD no frequency). This variant has not been reported in the literature in individuals affected with SLC17A8-related conditions. In summary, the available evidence is currently insufficient to determine the role of this variant in disease. Therefore, it has been classified as a Variant of Uncertain Significance.

NM_139319.3(SLC17A8):c.1121_1184del (p.Ala374fs)

Gene: SLC17A8 (solute carrier family 17 member 8; plus strand). Cytogenetic location: 12q23.1.
Variant type: Deletion.
Coding change: c.1121_1184del on transcript NM_139319.3 (MANE Select); coding-DNA positions 1121 to 1184, 64 bases deleted.
Protein change: p.Ala374fs; shifts the reading frame from alanine 374.
Molecular consequence: frameshift variant.
Genome position (GRCh38, 1-based): chr12:100,404,105-100,404,168, 64 bases deleted. GRCh37 (hg19): chr12:100,797,883-100,797,946.
Other names: c.971_1034del, p.Ala324fs (NM_001145288.2); short protein forms A324fs, A374fs.
Identifiers: ClinVar variation 3610304 (VCV003610304.2).